The following is an entry in ClinVar:

NM_000070.3(CAPN3):c.819del (p.Tyr274fs)

Gene: CAPN3 (calpain 3; plus strand). Cytogenetic location: 15q15.1.
Variant type: Deletion.
Coding change: c.819del on transcript NM_000070.3 (MANE Select); coding-DNA position 819, one base deleted (C; older notation c.819delC).
Protein change: p.Tyr274fs; shifts the reading frame from tyrosine 274.
Molecular consequence: frameshift variant. On other transcripts: intron variant (1).
Genome position (GRCh38, 1-based): chr15:42,389,970, C deleted; the last of 2 consecutive C bases (chr15:42,389,969-42,389,970); deleting either gives the same sequence. VCF-style (leftmost placement, unchanged base first): chr15-42389968-AC-A. GRCh37 (hg19) VCF-style: chr15-42682166-AC-A.
Other names: c.819del, p.Tyr274fs (NM_024344.2); c.558delC, p.Tyr187Metfs (NM_212464.2); c.*512delC (NM_212467.2); c.801+874del (NM_173087.2); short protein forms Y274fs.
Identifiers: ClinVar variation 2794667 (VCV002794667.3), dbSNP rs2548262062, ClinGen allele CA2739278142.

ClinVar aggregate classification (germline): Pathogenic (1 of 4 stars; one submission).

Conditions:
Autosomal recessive limb-girdle muscular dystrophy type 2A (LGMDR1). Also called: Muscular dystrophy, limb-girdle, type 2A, Amish; Limb-girdle muscular dystrophy, type 2A; Calpainopathy; LEYDEN-MOEBIUS MUSCULAR DYSTROPHY; MUSCULAR DYSTROPHY, PELVOFEMORAL. Identifiers: Orphanet 267, MedGen C1869123, MONDO:0009675, OMIM 253600. Disease mechanism: loss of function.

Submission:

Labcorp Genetics (formerly Invitae), Labcorp
Classification: Pathogenic for Autosomal recessive limb-girdle muscular dystrophy type 2A. Last evaluated: 2025-01-20. Review status: criteria provided, single submitter. Criteria: Invitae Variant Classification Sherloc (09022015). Collection method: clinical testing. Allele origin: germline.
Comment: This sequence change creates a premature translational stop signal (p.Tyr274Metfs*8) in the CAPN3 gene. It is expected to result in an absent or disrupted protein product. Loss-of-function variants in CAPN3 are known to be pathogenic (PMID: 10330340, 15689361). This variant is not present in population databases (gnomAD no frequency). This variant has not been reported in the literature in individuals affected with CAPN3-related conditions. ClinVar contains an entry for this variant (Variation ID: 2794667). For these reasons, this variant has been classified as Pathogenic.

Literature cited by the submitters: PubMed 10330340; PubMed 15689361.